The following is an entry in ClinVar:

NC_000009.11:g.(?_12709144)_(12712827_?)del

Gene: TYRP1 (tyrosinase related protein 1; plus strand). Cytogenetic location: 9p23.
Variant type: Deletion.
Identifiers: ClinVar variation 1399358 (VCV001399358.6).

ClinVar aggregate classification (germline): Uncertain significance (1 of 4 stars; one submission).

Submission:

Labcorp Genetics (formerly Invitae), Labcorp
Classification: Uncertain significance. Last evaluated: 2022-02-10. Review status: criteria provided, single submitter. Criteria: Invitae Variant Classification Sherloc (09022015). Collection method: clinical testing. Allele origin: germline.
Comment: This variant results in the deletion of part of exon 8 (c.1578_*3647del) of the TYRP1 gene. While this deletion is not anticipated to lead to nonsense mediated decay, it is expected to alter mRNA translation or result in a truncated protein product. This variant has not been reported in the literature in individuals affected with TYRP1-related conditions. Experimental studies and prediction algorithms are not available or were not evaluated, and the functional significance of this variant is currently unknown. In summary, the available evidence is currently insufficient to determine the role of this variant in disease. Therefore, it has been classified as a Variant of Uncertain Significance.